The following is an entry in ClinVar:

NM_004629.2(FANCG):c.1635A>G (p.Pro545=)

Gene: FANCG (FA complementation group G; minus strand). Cytogenetic location: 9p13.3.
Variant type: single nucleotide variant.
Coding change: c.1635A>G on transcript NM_004629.2 (MANE Select); coding-DNA position 1635, A replaced by G.
Protein change: p.Pro545=; no amino-acid change (proline 545 retained).
Molecular consequence: synonymous variant.
Genome position (GRCh38, 1-based): chr9:35,074,928, T>C on the plus strand (A>G on the coding strand, the complement: FANCG is on the minus strand). VCF-style: chr9-35074928-T-C. GRCh37 (hg19) VCF-style: chr9-35074925-T-C.
Identifiers: ClinVar variation 2819733 (VCV002819733.3), dbSNP rs1829054449, ClinGen allele CA464412529.

ClinVar aggregate classification (germline): Uncertain significance (1 of 4 stars; one submission).

Conditions:
Fanconi anemia (FA). Also called: Fanconi's anemia. Identifiers: Orphanet 84, MedGen C0015625, MeSH D005199, MONDO:0019391.

Allele frequency attached by ClinVar (database versions not stated): gnomAD exomes below 0.00001.
gnomAD v4.1: 1 of 1,614,196 alleles (0.000062%); highest among the groups gnomAD compares: East Asian, 0.0022%; no homozygotes.

Submission:

Labcorp Genetics (formerly Invitae), Labcorp
Classification: Uncertain significance for Fanconi anemia. Last evaluated: 2024-06-03. Review status: criteria provided, single submitter. Criteria: Invitae Variant Classification Sherloc (09022015). Collection method: clinical testing. Allele origin: germline.
Comment: This sequence change affects codon 545 of the FANCG mRNA. It is a 'silent' change, meaning that it does not change the encoded amino acid sequence of the FANCG protein. It affects a nucleotide within the consensus splice site. This variant is not present in population databases (gnomAD no frequency). This variant has not been reported in the literature in individuals affected with FANCG-related conditions. Algorithms developed to predict the effect of sequence changes on RNA splicing suggest that this variant may disrupt the consensus splice site. In summary, the available evidence is currently insufficient to determine the role of this variant in disease. Therefore, it has been classified as a Variant of Uncertain Significance.